The following is an entry in ClinVar:

ClinVar aggregate classification (germline): Benign. Review status: criteria provided, multiple submitters, no conflicts (2 of 4 stars). 4 submissions from 4 submitters: Benign (3). 1 of the submissions does not count toward it. Last evaluated 2018-08-07.

Conditions:
Primary hyperoxaluria, type I (HP1). Also called: GLYCOLIC ACIDURIA; HEPATIC AGT DEFICIENCY; OXALOSIS I; Primary hyperoxaluria type 1. Identifiers: Orphanet 416, Orphanet 93598, MedGen C0268164, MONDO:0009823, OMIM 259900. Disease mechanism: loss of function.

Allele frequency attached by ClinVar (database versions not stated): 1000 Genomes Project 0.71985; 1000 Genomes Project 30x 0.72252; TOPMed 0.72417; gnomAD 0.74589.
gnomAD v4.1: 370,437 of 532,554 alleles (70%); highest among the groups gnomAD compares: African/African-American, 85%; 130,757 homozygotes.

Submissions (4):

GeneDx
Classification: Benign. Last evaluated: 2018-08-07. Review status: criteria provided, single submitter. Criteria: GeneDx Variant Classification Process June 2021. Collection method: clinical testing. Allele origin: germline. Affected: yes.

Illumina Laboratory Services, Illumina
Classification: Benign for Primary hyperoxaluria, type I. Last evaluated: 2018-01-12. Review status: criteria provided, single submitter. Criteria: ICSL Variant Classification Criteria 13 December 2019. Collection method: clinical testing. Allele origin: germline.
Comment: This variant was observed in the ICSL laboratory as part of a predisposition screen in an ostensibly healthy population. It had not been previously curated by ICSL or reported in the Human Gene Mutation Database (HGMD: prior to June 1st, 2018), and was therefore a candidate for classification through an automated scoring system. Utilizing variant allele frequency, disease prevalence and penetrance estimates, and inheritance mode, an automated score was calculated to assess if this variant is too frequent to cause the disease. Based on the score and internal cut-off values, a variant classified as benign is not then subjected to further curation. The score for this variant resulted in a classification of benign for this disease.

Breakthrough Genomics
Classification: Benign. Review status: criteria provided, single submitter. Criteria: ACMG Guidelines, 2015. Collection method: not provided. Allele origin: germline. Inheritance: Autosomal recessive inheritance. Affected: yes.

Clinical Biochemistry Laboratory, Health Services Laboratory
Classification: Uncertain significance for Primary hyperoxaluria, type I. Last evaluated: 2014-11-27. Review status: no assertion criteria provided. Collection method: research. Allele origin: germline. Affected: yes. Not counted in ClinVar's aggregate classification.

Literature cited by the submitters: PubMed 19479957 (cited by Clinical Biochemistry Laboratory, Health Services Laboratory).

NM_000030.3(AGXT):c.*289A>C

Gene: AGXT (alanine--glyoxylate aminotransferase; plus strand). Cytogenetic location: 2q37.3.
Variant type: single nucleotide variant.
Coding change: c.*289A>C on transcript NM_000030.3 (MANE Select); 289 bases downstream of the stop codon, A replaced by C.
Molecular consequence: 3 prime UTR variant.
Genome position (GRCh38, 1-based): chr2:240,879,110, A>C. VCF-style: chr2-240879110-A-C. GRCh37 (hg19) VCF-style: chr2-241818527-A-C.
Identifiers: ClinVar variation 204064 (VCV000204064.9), dbSNP rs4344931, ClinGen allele CA275612.